The following is an entry in ClinVar:

ClinVar aggregate classification (germline): Likely benign. Review status: criteria provided, single submitter (1 of 4 stars). 2 submissions from 2 submitters: Likely benign (1). 1 of the submissions does not count toward it. Last evaluated 2023-12-28.

Conditions:
Zellweger spectrum disorders (ZS). Also called: Zellweger Spectrum Disorder; Zellweger Spectrum; Zellweger Spectrum Disorder (ZSD); Zellweger syndrome. Identifiers: Orphanet 912, MedGen C0043459, MONDO:0019609.
PEX1-related disorder. Also called: PEX1-related condition.

gnomAD v4.1: 1 of 1,613,938 alleles (0.000062%); highest among the groups gnomAD compares: South Asian, 0.0011%; no homozygotes.

Submissions (2):

Labcorp Genetics (formerly Invitae), Labcorp
Classification: Likely benign for Zellweger spectrum disorders. Last evaluated: 2023-12-28. Review status: criteria provided, single submitter. Criteria: Invitae Variant Classification Sherloc (09022015). Collection method: clinical testing. Allele origin: germline.

PreventionGenetics, part of Exact Sciences
Classification: Likely benign for PEX1-related condition. Last evaluated: 2020-10-16. Review status: no assertion criteria provided. Collection method: clinical testing. Allele origin: germline. Not counted in ClinVar's aggregate classification.
Comment: This variant is classified as likely benign based on ACMG/AMP sequence variant interpretation guidelines (Richards et al. 2015 PMID: 25741868, with internal and published modifications).

NM_000466.3(PEX1):c.1731C>A (p.Arg577=)

Gene: PEX1 (peroxisomal biogenesis factor 1; minus strand). Cytogenetic location: 7q21.2.
Variant type: single nucleotide variant.
Coding change: c.1731C>A on transcript NM_000466.3 (MANE Select); coding-DNA position 1731, C replaced by A.
Protein change: p.Arg577=; no amino-acid change (arginine 577 retained).
Molecular consequence: synonymous variant.
Genome position (GRCh38, 1-based): chr7:92,507,066, G>T on the plus strand (C>A on the coding strand, the complement: PEX1 is on the minus strand). VCF-style: chr7-92507066-G-T. GRCh37 (hg19) VCF-style: chr7-92136380-G-T.
Other names: c.1731C>A, p.Arg577= (NM_001282677.2); c.1107C>A, p.Arg369= (NM_001282678.2); c.1731C>A (NM_000466.2).
Identifiers: ClinVar variation 2052387 (VCV002052387.6), dbSNP rs2116181294, ClinGen allele CA456483582.
Genomic context (GRCh38, chr7:92,507,066, plus strand): 5'-GAGTAAAAGAGCTCCATTCCTAAGTCCTGCAACAAGAGACATCAGCTGCCGAGACAAAGG[G>T]CGTCCCAGGAGGCTGTGAGTGATGTGCTCCAAGGAGGATACGCCTAAGGAATTCACTCCT-3'
Protein context (NP_000457.1, residues 567-587): LEHITHSLLG[Arg577=]PLSRQLMSLV